The following is an entry in ClinVar:

NM_145207.3(AFG2A):c.646A>G (p.Arg216Gly)

Gene: AFG2A (AAA ATPase AFG2A; plus strand). Cytogenetic location: 4q28.1.
Variant type: single nucleotide variant.
Coding change: c.646A>G on transcript NM_145207.3 (MANE Select); coding-DNA position 646, A replaced by G.
Protein change: p.Arg216Gly; replaces arginine 216 with glycine.
Molecular consequence: missense variant.
Genome position (GRCh38, 1-based): chr4:122,934,237, A>G. VCF-style: chr4-122934237-A-G. GRCh37 (hg19) VCF-style: chr4-123855392-A-G.
Other names: c.643A>G, p.Arg215Gly (NM_001317799.2, NM_001345856.2); short protein forms R216G, R215G.
Identifiers: ClinVar variation 1501912 (VCV001501912.5), dbSNP rs2125737631, ClinGen allele CA358101734.
Genomic context (GRCh38, chr4:122,934,237, plus strand): 5'-AAAGGGGCAGATGGCATGATATTGGGAGGGCCTCAGAGTGACTCTGACACTGATGCCCAA[A>G]GAATGGCCTTTGAACAGTCCAGCATGGAAACCAGTAGCCTGGAGTTATCCTTACAGCTAA-3'
Protein context (NP_660208.2, residues 206-226): PQSDSDTDAQ[Arg216Gly]MAFEQSSMET

ClinVar aggregate classification (germline): Uncertain significance (1 of 4 stars; one submission).

Conditions:
Microcephaly-intellectual disability-sensorineural hearing loss-epilepsy-abnormal muscle tone syndrome (NEDHSB). Also called: NEURODEVELOPMENTAL DISORDER WITH HEARING LOSS, SEIZURES, AND BRAIN ABNORMALITIES. Identifiers: Orphanet 457351, MedGen C4225276, MONDO:0014698, OMIM 616577.

Submission:

Labcorp Genetics (formerly Invitae), Labcorp
Classification: Uncertain significance for Microcephaly-intellectual disability-sensorineural hearing loss-epilepsy-abnormal muscle tone syndrome. Last evaluated: 2021-08-29. Review status: criteria provided, single submitter. Criteria: Invitae Variant Classification Sherloc (09022015). Collection method: clinical testing. Allele origin: germline.
Comment: This sequence change replaces arginine with glycine at codon 216 of the SPATA5 protein (p.Arg216Gly). The arginine residue is weakly conserved and there is a moderate physicochemical difference between arginine and glycine. This variant is not present in population databases (ExAC no frequency). This variant has not been reported in the literature in individuals affected with SPATA5-related conditions. Advanced modeling of protein sequence and biophysical properties (such as structural, functional, and spatial information, amino acid conservation, physicochemical variation, residue mobility, and thermodynamic stability) performed at Invitae indicates that this missense variant is not expected to disrupt SPATA5 protein function. Algorithms developed to predict the effect of sequence changes on RNA splicing suggest that this variant may create or strengthen a splice site. In summary, the available evidence is currently insufficient to determine the role of this variant in disease. Therefore, it has been classified as a Variant of Uncertain Significance.